The following is an entry in ClinVar:

NM_018139.3(DNAAF2):c.1931A>G (p.Lys644Arg)

Gene: DNAAF2 (dynein axonemal assembly factor 2; minus strand). Cytogenetic location: 14q21.3.
Variant type: single nucleotide variant.
Coding change: c.1931A>G on transcript NM_018139.3 (MANE Select); coding-DNA position 1931, A replaced by G.
Protein change: p.Lys644Arg; replaces lysine 644 with arginine.
Molecular consequence: missense variant. On other transcripts: intron variant (2).
Genome position (GRCh38, 1-based): chr14:49,628,088, T>C on the plus strand (A>G on the coding strand, the complement: DNAAF2 is on the minus strand). VCF-style: chr14-49628088-T-C. GRCh37 (hg19) VCF-style: chr14-50094806-T-C.
Other names: c.1864-2040A>G (NM_001083908.2); c.-204-2040A>G (NM_001378453.1); short protein forms K644R.
Identifiers: ClinVar variation 1782889 (VCV001782889.3), dbSNP rs770857109, ClinGen allele CA7172790.

ClinVar aggregate classification (germline): Uncertain significance (1 of 4 stars; one submission).

Conditions:
Primary ciliary dyskinesia. Also called: Ciliary dyskinesia. Identifiers: Orphanet 244, MedGen C0008780, MONDO:0016575, HP:0012265.

Allele frequency attached by ClinVar (database versions not stated): ExAC 0.00002; TOPMed 0.00008; gnomAD 0.00009; gnomAD exomes 0.00019.

Submission:

Ambry Genetics
Classification: Uncertain significance for Primary ciliary dyskinesia. Last evaluated: 2024-10-27. Review status: criteria provided, single submitter. Criteria: Ambry Variant Classification Scheme 2023. Collection method: clinical testing. Allele origin: germline.
Comment: The p.K644R variant (also known as c.1931A>G), located in coding exon 2 of the DNAAF2 gene, results from an A to G substitution at nucleotide position 1931. The lysine at codon 644 is replaced by arginine, an amino acid with highly similar properties. This amino acid position is conserved. In addition, this alteration is predicted to be tolerated by in silico analysis. Since supporting evidence is limited at this time, the clinical significance of this alteration remains unclear.